The following is an entry in ClinVar:

ClinVar aggregate classification (germline): Uncertain significance. Review status: criteria provided, multiple submitters, no conflicts (2 of 4 stars). 2 submissions from 2 submitters: Uncertain significance (2). Last evaluated 2023-10-14.

Conditions:
Saethre-Chotzen syndrome (SCS). Also called: ACROCEPHALY, SKULL ASYMMETRY, AND MILD SYNDACTYLY; ACS III; CHOTZEN SYNDROME. Identifiers: Orphanet 794, MedGen C0175699, MONDO:0007042, OMIM 101400.
TWIST1-related craniosynostosis (CRS1). Also called: CRANIOSYNOSTOSIS 1. Identifiers: Orphanet 63440, MedGen C4551902, MONDO:0007399, OMIM 123100. Inheritance: Heterogenous inheritance pattern.

Submissions (2):

Labcorp Genetics (formerly Invitae), Labcorp
Classification: Uncertain significance for TWIST1-related craniosynostosis; Saethre-Chotzen syndrome. Last evaluated: 2023-10-14. Review status: criteria provided, single submitter. Criteria: Invitae Variant Classification Sherloc (09022015). Collection method: clinical testing. Allele origin: germline.
Comment: This sequence change replaces arginine, which is basic and polar, with histidine, which is basic and polar, at codon 120 of the TWIST1 protein (p.Arg120His). This variant is not present in population databases (gnomAD no frequency). This missense change has been observed in individual(s) with Saethre-Chotzen syndrome (Invitae). An algorithm developed to predict the effect of missense changes on protein structure and function (PolyPhen-2) suggests that this variant is likely to be disruptive. This variant disrupts the p.Arg120 amino acid residue in TWIST1. Other variant(s) that disrupt this residue have been determined to be pathogenic (PMID: 15923834, 18391498). This suggests that this residue is clinically significant, and that variants that disrupt this residue are likely to be disease-causing. In summary, the available evidence is currently insufficient to determine the role of this variant in disease. Therefore, it has been classified as a Variant of Uncertain Significance.

Revvity Omics, Revvity
Classification: Uncertain significance. Last evaluated: 2023-09-19. Review status: criteria provided, single submitter. Criteria: ACMG Guidelines, 2015. Collection method: clinical testing. Allele origin: germline.

Literature cited by the submitters: PubMed 15923834 (cited by Labcorp Genetics (formerly Invitae), Labcorp); PubMed 18391498 (cited by Labcorp Genetics (formerly Invitae), Labcorp).

NM_000474.4(TWIST1):c.359G>A (p.Arg120His)

Gene: TWIST1 (twist family bHLH transcription factor 1; minus strand). Cytogenetic location: 7p21.1.
Variant type: single nucleotide variant.
Coding change: c.359G>A on transcript NM_000474.4 (MANE Select); coding-DNA position 359, G replaced by A.
Protein change: p.Arg120His; replaces arginine 120 with histidine.
Molecular consequence: missense variant. On other transcripts: non-coding transcript variant (1).
Genome position (GRCh38, 1-based): chr7:19,116,963, C>T on the plus strand (G>A on the coding strand, the complement: TWIST1 is on the minus strand). VCF-style: chr7-19116963-C-T. GRCh37 (hg19) VCF-style: chr7-19156586-C-T.
Other names: short protein forms R120H.
Identifiers: ClinVar variation 2952886 (VCV002952886.4), dbSNP rs2486049873, ClinGen allele CA367015604.